The following is an entry in ClinVar:

ClinVar aggregate classification (germline): Uncertain significance (1 of 4 stars; one submission).

Conditions:
Breast-ovarian cancer, familial, susceptibility to, 4. Identifiers: Orphanet 145, MedGen C3280345, MONDO:0013669, OMIM 614291.

Submission:

Labcorp Genetics (formerly Invitae), Labcorp
Classification: Uncertain significance for Breast-ovarian cancer, familial, susceptibility to, 4. Last evaluated: 2023-01-25. Review status: criteria provided, single submitter. Criteria: Invitae Variant Classification Sherloc (09022015). Collection method: clinical testing. Allele origin: germline.
Comment: In summary, the available evidence is currently insufficient to determine the role of this variant in disease. Therefore, it has been classified as a Variant of Uncertain Significance. This variant has not been reported in the literature in individuals affected with RAD51D-related conditions. A copy number gain of the genomic region encompassing the full coding sequence of the RAD51D gene has been identified. The boundaries of this event are unknown as they extend beyond the assayed region for this gene and therefore may encompass additional genes. As the precise location of this event is unknown, it may be in tandem or it may be located elsewhere in the genome.

NC_000017.10:g.(?_33427972)_(33446632_?)dup

Gene: RAD51D (RAD51 paralog D; minus strand). Cytogenetic location: 17q12.
Variant type: Duplication.
Identifiers: ClinVar variation 1410700 (VCV001410700.5).